The following is an entry in ClinVar:

ClinVar aggregate classification (germline): Conflicting classifications of pathogenicity. Review status: criteria provided, conflicting classifications (1 of 4 stars). 11 submissions from 11 submitters: Uncertain significance (4); Likely benign (5). 2 of the submissions do not count toward it. Last evaluated 2025-12-29.

Conditions:
Hereditary cancer-predisposing syndrome. Also called: Hereditary Cancer Syndrome; Tumor predisposition; Neoplastic Syndromes, Hereditary; Hereditary neoplastic syndrome. Identifiers: Orphanet 140162, MedGen C0027672, MeSH D009386, MONDO:0015356.
Hereditary breast ovarian cancer syndrome. Also called: Hereditary breast and ovarian cancer syndrome; Hereditary breast and ovarian cancer; Hereditary breast and ovarian cancer syndrome (HBOC); BRCA1- and BRCA2-Associated Hereditary Breast and Ovarian Cancer; Hereditary breast and/or ovarian cancer syndrome; Breast and ovarian cancer. Identifiers: Orphanet 145, MedGen C0677776, MeSH D061325, MONDO:0003582. Disease mechanism: loss of function.
Breast-ovarian cancer, familial, susceptibility to, 2 (BROVCA2). Also called: BRCA2 Hereditary Breast and Ovarian Cancer. Identifiers: Orphanet 145, MedGen C2675520, MONDO:0012933, OMIM 612555. Disease mechanism: loss of function.

Allele frequency attached by ClinVar (database versions not stated): gnomAD 0.00001; gnomAD exomes 0.00001; TOPMed 0.00001.
gnomAD v4.1: 11 of 1,614,072 alleles (0.00068%); highest among the groups gnomAD compares: Non-Finnish European, 0.00093%; no homozygotes.

Submissions (11):

Labcorp Genetics (formerly Invitae), Labcorp
Classification: Uncertain significance for Hereditary breast ovarian cancer syndrome. Last evaluated: 2025-12-29. Review status: criteria provided, single submitter. Criteria: Invitae Variant Classification Sherloc (09022015). Collection method: clinical testing. Allele origin: germline.
Comment: This sequence change replaces glutamic acid, which is acidic and polar, with glycine, which is neutral and non-polar, at codon 3359 of the BRCA2 protein (p.Glu3359Gly). This variant is present in population databases (rs80358389, gnomAD 0.002%). This missense change has been observed in individual(s) with breast and/or ovarian cancer (PMID: 27062684; internal data). ClinVar contains an entry for this variant (Variation ID: 51038). Invitae Evidence Modeling of protein sequence and biophysical properties (such as structural, functional, and spatial information, amino acid conservation, physicochemical variation, residue mobility, and thermodynamic stability) indicates that this missense variant is not expected to disrupt BRCA2 protein function with a negative predictive value of 95%. In summary, the available evidence is currently insufficient to determine the role of this variant in disease. Therefore, it has been classified as a Variant of Uncertain Significance.

Women's Health and Genetics/Laboratory Corporation of America, LabCorp
Classification: Uncertain significance. Last evaluated: 2025-10-03. Review status: criteria provided, single submitter. Criteria: LabCorp Variant Classification Summary - May 2015. Collection method: clinical testing. Allele origin: germline.
Comment: Variant summary: BRCA2 c.10076A>G (p.Glu3359Gly) results in a non-conservative amino acid change in the encoded protein sequence. Algorithms developed to predict the effect of missense changes on protein structure and function are either unavailable or do not agree on the potential impact of this missense change. The variant allele was found at a frequency of 1.2e-05 in 251176 control chromosomes. The available data on variant occurrences in the general population are insufficient to allow any conclusion about variant significance. c.10076A>G has been observed in individual(s) affected with Hereditary Breast And Ovarian Cancer Syndrome (Azzollini_2016). These report(s) do not provide unequivocal conclusions about association of the variant with Hereditary Breast And Ovarian Cancer Syndrome. Co-occurrences with other pathogenic variant(s) have been reported (BRCA1 c.3756_3759delGTCT, p.Ser1253ArgfsX10), providing supporting evidence for a benign role. To our knowledge, no experimental evidence demonstrating an impact on protein function has been reported. The following publication have been ascertained in the context of this evaluation (PMID: 27062684). ClinVar contains an entry for this variant (Variation ID: 51038). Based on the evidence outlined above, the variant was classified as uncertain significance.

Center for Genomic Medicine, Rigshospitalet, Copenhagen University Hospital
Classification: Likely benign. Last evaluated: 2025-03-04. Review status: criteria provided, single submitter. Criteria: ACMG Guidelines, 2015. Collection method: clinical testing. Allele origin: germline.

Ambry Genetics
Classification: Likely benign for Hereditary cancer-predisposing syndrome. Last evaluated: 2023-11-13. Review status: criteria provided, single submitter. Criteria: Ambry Variant Classification Scheme 2023. Collection method: clinical testing. Allele origin: germline.

Genetics and Molecular Pathology, SA Pathology
Classification: Uncertain significance for Breast-ovarian cancer, familial, susceptibility to, 2. Last evaluated: 2021-05-21. Review status: criteria provided, single submitter. Criteria: ACMG Guidelines, 2015. Collection method: clinical testing. Allele origin: germline. Inheritance: Autosomal dominant inheritance.

Mendelics
Classification: Likely benign for Breast-ovarian cancer, familial, susceptibility to, 2. Last evaluated: 2019-05-28. Review status: criteria provided, single submitter. Criteria: Mendelics Assertion Criteria 2017. Collection method: clinical testing. Allele origin: unknown.

GeneDx
Classification: Likely benign. Last evaluated: 2019-02-11. Review status: criteria provided, single submitter. Criteria: GeneDx Variant Classification Process June 2021. Collection method: clinical testing. Allele origin: germline. Affected: yes.
Comment: This variant is associated with the following publications: (PMID: 27062684)

ARUP Laboratories, Molecular Genetics and Genomics, ARUP Laboratories
Classification: Uncertain significance. Last evaluated: 2018-09-16. Review status: criteria provided, single submitter. Criteria: ARUP Molecular Germline Variant Investigation Process. Collection method: clinical testing. Allele origin: germline.
Comment: The BRCA2 c.10076A>G; p.Glu3359Gly variant (rs80358389), is reported in the literature in at least one individual from a family with breast and/or ovarian cancer (Azzollini 2016). This variant is reported as uncertain significance by multiple laboratories in ClinVar (Variation ID: 51038), and is only observed on three alleles in the Genome Aggregation Database, indicating it is not a common polymorphism. The glutamic acid at codon 3359 is weakly conserved, and computational analyses (SIFT, PolyPhen-2) predict that this variant is tolerated. Due to limited information, the clinical significance of the p.Glu3359Gly variant is uncertain at this time. References: Azzollini J et al. Mutation detection rates associated with specific selection criteria for BRCA1/2 testing in 1854 high-risk families: A monocentric Italian study. Eur J Intern Med. 2016 Jul;32:65-71.

Color Diagnostics, LLC DBA Color Health
Classification: Likely benign for Hereditary cancer-predisposing syndrome. Last evaluated: 2016-10-03. Review status: criteria provided, single submitter. Criteria: ACMG Guidelines, 2015. Collection method: clinical testing. Allele origin: germline.

Counsyl
Classification: Uncertain significance for Breast-ovarian cancer, familial, susceptibility to, 2. Last evaluated: 2018-04-09. Review status: no assertion criteria provided. Collection method: clinical testing. Allele origin: unknown. Not counted in ClinVar's aggregate classification.

Breast Cancer Information Core (BIC) (BRCA2)
Classification: Uncertain significance for Breast-ovarian cancer, familial 2. Last evaluated: 2003-12-23. Review status: no assertion criteria provided. Collection method: clinical testing. Allele origin: germline. Affected: yes. Observed: 1 variant allele. Not counted in ClinVar's aggregate classification.

Literature cited by the submitters: PubMed 27062684 (cited by 4 submitters); PubMed 33471991 (cited by Ambry Genetics).

NM_000059.4(BRCA2):c.10076A>G (p.Glu3359Gly)

Gene: BRCA2 (BRCA2 DNA repair associated; plus strand). Cytogenetic location: 13q13.1.
Variant type: single nucleotide variant.
Coding change: c.10076A>G on transcript NM_000059.4 (MANE Select); coding-DNA position 10076, A replaced by G.
Protein change: p.Glu3359Gly; replaces glutamic acid 3359 with glycine.
Molecular consequence: missense variant.
Genome position (GRCh38, 1-based): chr13:32,398,589, A>G. VCF-style: chr13-32398589-A-G. GRCh37 (hg19) VCF-style: chr13-32972726-A-G.
Other names: short protein forms E3359G.
Identifiers: ClinVar variation 51038 (VCV000051038.47), dbSNP rs80358389, ClinGen allele CA010155.